The following is an entry in ClinVar:

ClinVar aggregate classification (germline): Uncertain significance (1 of 4 stars; one submission).

Allele frequency attached by ClinVar (database versions not stated): gnomAD 0.00001; TOPMed 0.00001.

Submission:

Laboratorio de Genetica e Diagnostico Molecular, Hospital Israelita Albert Einstein
Classification: Uncertain significance. Last evaluated: 2020-04-22. Review status: criteria provided, single submitter. Criteria: ACMG Guidelines, 2015. Collection method: clinical testing. Allele origin: germline. Affected: yes.
Comment: ACMG classification criteria: PM2, PP2, PP3

NM_000937.5(POLR2A):c.688G>T (p.Asp230Tyr)

Gene: POLR2A (RNA polymerase II subunit A; plus strand). Cytogenetic location: 17p13.1.
Variant type: single nucleotide variant.
Coding change: c.688G>T on transcript NM_000937.5 (MANE Select); coding-DNA position 688, G replaced by T.
Protein change: p.Asp230Tyr; replaces aspartic acid 230 with tyrosine.
Molecular consequence: missense variant.
Genome position (GRCh38, 1-based): chr17:7,496,914, G>T. VCF-style: chr17-7496914-G-T. GRCh37 (hg19) VCF-style: chr17-7400233-G-T.
Other names: short protein forms D230Y.
Identifiers: ClinVar variation 1690871 (VCV001690871.3), dbSNP rs1432483030, ClinGen allele CA397863093.
Genomic context (GRCh38, chr17:7,496,914, plus strand): 5'-CAGGAGAAGAAGATCCTGCTGAGTCCAGAGCGAGTGCATGAGATCTTCAAACGCATCTCA[G>T]ATGAGGAGTGTTTTGTGCTGGGCATGGAGCCCCGCTATGCACGGCCAGAGTGGATGATTG-3'
Protein context (NP_000928.1, residues 220-240): RVHEIFKRIS[Asp230Tyr]EECFVLGMEP